The following is an entry in ClinVar:

NM_006244.4(PPP2R5B):c.722G>A (p.Arg241Gln)

Genes: PPP2R5B (protein phosphatase 2 regulatory subunit B'beta; plus strand), LOC126861234 (BRD4-independent group 4 enhancer GRCh37_chr11:64694868-64696067; plus strand). Cytogenetic location: 11q13.1.
Variant type: single nucleotide variant.
Coding change: c.722G>A on transcript NM_006244.4 (MANE Select); coding-DNA position 722, G replaced by A.
Protein change: p.Arg241Gln; replaces arginine 241 with glutamine.
Molecular consequence: missense variant.
Genome position (GRCh38, 1-based): chr11:64,928,425, G>A. VCF-style: chr11-64928425-G-A. GRCh37 (hg19) VCF-style: chr11-64695897-G-A.
Other names: short protein forms R241Q.
Identifiers: ClinVar variation 2641943 (VCV002641943.24), dbSNP rs577391569, ClinGen allele CA6086878.
Genomic context (GRCh38, chr11:64,928,425, plus strand): 5'-ATGGCAAGTTCCTGGGTCTCCGGGCCTACATCCGCAAACAGTGCAACCACATCTTCCTCC[G>A]GTGAGTGGCTGCTGCCTGCCCAGCAGAGACCTGGGGAGGGTGAGAGGGCTGTTAGAAGAC-3'
Protein context (NP_006235.1, residues 231-251): IRKQCNHIFL[Arg241Gln]FIYEFEHFNG

ClinVar aggregate classification (germline): Likely benign (1 of 4 stars; one submission).

Allele frequency attached by ClinVar (database versions not stated): TOPMed 0.00002; ExAC 0.00003; gnomAD exomes 0.00004; gnomAD 0.00005; 1000 Genomes Project 0.00020; 1000 Genomes Project 30x 0.00031.

Submission:

CeGaT Center for Human Genetics Tuebingen
Classification: Likely benign. Last evaluated: 2023-08-01. Review status: criteria provided, single submitter. Criteria: CeGaT Center For Human Genetics Tuebingen Variant Classification Criteria Version 2. Collection method: clinical testing. Allele origin: germline. Affected: yes. Observed: 1 variant allele.
Comment: PPP2R5B: BS2